The following is an entry in ClinVar:

NM_032043.3(BRIP1):c.2098-1G>T

Gene: BRIP1 (BRCA1 interacting DNA helicase 1; minus strand). Cytogenetic location: 17q23.2.
Variant type: single nucleotide variant.
Coding change: c.2098-1G>T on transcript NM_032043.3 (MANE Select); the canonical splice acceptor site of the intron before coding-DNA position 2098, G replaced by T.
Molecular consequence: splice acceptor variant.
Genome position (GRCh38, 1-based): chr17:61,744,592, C>A on the plus strand (G>T on the coding strand, the complement: BRIP1 is on the minus strand). VCF-style: chr17-61744592-C-A. GRCh37 (hg19) VCF-style: chr17-59821953-C-A.
Identifiers: ClinVar variation 2626390 (VCV002626390.3), dbSNP rs2144701807, ClinGen allele CA400483449.
Genomic context (GRCh38, chr17:61,744,592, plus strand): 5'-CAACTCCAGATTATGCCATAAACCAGTAGAGAGCCAACGTTCTTTTAATTTTTCTAATAA[C>A]TAAAGAGGGGAAAGAAAAAAATGATTTTTTGTGTGTCTAGCTAAACAAACTTAACTTCAT-3'

ClinVar aggregate classification (germline): Likely pathogenic (1 of 4 stars; one submission).

Conditions:
Hereditary cancer-predisposing syndrome. Also called: Tumor predisposition; Hereditary Cancer Syndrome; Hereditary neoplastic syndrome; Neoplastic Syndromes, Hereditary. Identifiers: Orphanet 140162, MedGen C0027672, MeSH D009386, MONDO:0015356.

Submission:

Ambry Genetics
Classification: Likely pathogenic for Hereditary cancer-predisposing syndrome. Last evaluated: 2024-07-24. Review status: criteria provided, single submitter. Criteria: Ambry Variant Classification Scheme 2023. Collection method: clinical testing. Allele origin: germline.
Comment: The c.2098-1G>T intronic variant results from a G to T substitution one nucleotide upstream from coding exon 14 of the BRIP1 gene. This nucleotide position is well conserved in available vertebrate species. In silico splice site analysis predicts that this alteration will weaken the native splice acceptor site and will result in the creation or strengthening of a novel splice acceptor site. RNA studies have demonstrated that this alteration results in abnormal splicing in the set of samples tested (Ambry internal data). This variant is considered to be rare based on population cohorts in the Genome Aggregation Database (gnomAD). Alterations that disrupt the canonical splice site are expected to cause aberrant splicing, resulting in an abnormal protein or a transcript that is subject to nonsense-mediated mRNA decay. As such, this alteration is classified as likely pathogenic.